The following is an entry in ClinVar:

ClinVar aggregate classification (germline): Likely benign (1 of 4 stars; one submission).

Allele frequency attached by ClinVar (database versions not stated): gnomAD exomes below 0.00001; TOPMed below 0.00001.
gnomAD v4.1: 5 of 1,614,230 alleles (0.00031%); highest among the groups gnomAD compares: Middle Eastern, 0.016%; no homozygotes.

Submission:

CeGaT Center for Human Genetics Tuebingen
Classification: Likely benign. Last evaluated: 2022-12-01. Review status: criteria provided, single submitter. Criteria: CeGaT Center For Human Genetics Tuebingen Variant Classification Criteria Version 2. Collection method: clinical testing. Allele origin: germline. Affected: yes. Observed: 1 variant allele.
Comment: LAMA1: BP4, BP7

NM_005559.4(LAMA1):c.6141C>T (p.Asn2047=)

Gene: LAMA1 (laminin subunit alpha 1; minus strand). Cytogenetic location: 18p11.31.
Variant type: single nucleotide variant.
Coding change: c.6141C>T on transcript NM_005559.4 (MANE Select); coding-DNA position 6141, C replaced by T.
Protein change: p.Asn2047=; no amino-acid change (asparagine 2047 retained).
Molecular consequence: synonymous variant.
Genome position (GRCh38, 1-based): chr18:6,978,245, G>A on the plus strand (C>T on the coding strand, the complement: LAMA1 is on the minus strand). VCF-style: chr18-6978245-G-A. GRCh37 (hg19) VCF-style: chr18-6978244-G-A.
Identifiers: ClinVar variation 2648546 (VCV002648546.24), dbSNP rs1471033253, ClinGen allele CA502472857.